The following is an entry in ClinVar:

ClinVar aggregate classification (germline): Likely pathogenic (1 of 4 stars; one submission).

Submission:

GeneDx
Classification: Likely pathogenic. Last evaluated: 2022-02-14. Review status: criteria provided, single submitter. Criteria: GeneDx Variant Classification Process June 2021. Collection method: clinical testing. Allele origin: germline. Affected: yes.
Comment: Alters the last nucleotide of the exon and is predicted to destroy the splice donor site and result in aberrant splicing, although in the absence of functional evidence the actual effect of this sequence change is unknown; Not observed at significant frequency in large population cohorts (gnomAD); In silico analysis supports that this missense variant does not alter protein structure/function; Has not been previously published as pathogenic or benign to our knowledge; This variant is associated with the following publications: (PMID: 27535533)

NM_015335.5(MED13L):c.4955G>A (p.Ser1652Asn)

Gene: MED13L (mediator complex subunit 13L; minus strand). Cytogenetic location: 12q24.21.
Variant type: single nucleotide variant.
Coding change: c.4955G>A on transcript NM_015335.5 (MANE Select); coding-DNA position 4955, G replaced by A.
Protein change: p.Ser1652Asn; replaces serine 1652 with asparagine.
Molecular consequence: missense variant.
Genome position (GRCh38, 1-based): chr12:115,983,117, C>T on the plus strand (G>A on the coding strand, the complement: MED13L is on the minus strand). VCF-style: chr12-115983117-C-T. GRCh37 (hg19) VCF-style: chr12-116420922-C-T.
Other names: short protein forms S1652N.
Identifiers: ClinVar variation 1698066 (VCV001698066.2), dbSNP rs2137273654, ClinGen allele CA386882409.
Genomic context (GRCh38, chr12:115,983,117, plus strand): 5'-AAGAAGAAGAGAGAAAGGGTCTGAGCTGAAGCCACTCATCTCAATTAGTGAATAACATAC[C>T]TCTCTTGTCCATCCTGTGAGGGCTGAGAAGAGCTCTGCCCAGGGTCAGTGTCTCCACCAC-3'
Protein context (NP_056150.1, residues 1642-1662): SSQPSQDGQE[Ser1652Asn]VTERERIGIP